The following is an entry in ClinVar:

NM_000493.4(COL10A1):c.256G>A (p.Gly86Arg)

Genes: NT5DC1 (5'-nucleotidase domain containing 1; plus strand), COL10A1 (collagen type X alpha 1 chain; minus strand). Cytogenetic location: 6q22.1.
Variant type: single nucleotide variant.
Coding change: c.256G>A on transcript NM_000493.4 (MANE Select); coding-DNA position 256, G replaced by A.
Protein change: p.Gly86Arg; replaces glycine 86 with arginine.
Molecular consequence: missense variant. On other transcripts: intron variant (1).
Genome position (GRCh38, 1-based): chr6:116,121,860, C>T on the plus strand (G>A on the coding strand, the complement: COL10A1 is on the minus strand). VCF-style: chr6-116121860-C-T. GRCh37 (hg19) VCF-style: chr6-116443023-C-T.
Other names: c.256G>A, p.Gly86Arg (NM_001424106.1, NM_001424107.1); c.529+3915C>T (NM_152729.3); short protein forms G86R.
Identifiers: ClinVar variation 355109 (VCV000355109.17), dbSNP rs145214720, ClinGen allele CA3968443.

ClinVar aggregate classification (germline): Likely benign. Review status: criteria provided, multiple submitters, no conflicts (2 of 4 stars). 4 submissions from 4 submitters: Likely benign (4). Last evaluated 2025-12-29.

Conditions:
Metaphyseal chondrodysplasia, Schmid type (MCDS). Also called: SPONDYLOMETAPHYSEAL DYSPLASIA, JAPANESE TYPE. Identifiers: Orphanet 174, MedGen C0265289, MONDO:0007983, OMIM 156500.

Allele frequency attached by ClinVar (database versions not stated): 1000 Genomes Project 30x 0.00016; 1000 Genomes Project 0.00020; gnomAD 0.00067 and 0.00068; ExAC 0.00070; gnomAD exomes 0.00070; TOPMed 0.00072; ESP Exome Variant Server 0.00092.
gnomAD v4.1: 1,656 of 1,613,950 alleles (0.1%); highest among the groups gnomAD compares: Non-Finnish European, 0.13%; no homozygotes.

Submissions (4):

Labcorp Genetics (formerly Invitae), Labcorp
Classification: Likely benign. Last evaluated: 2025-12-29. Review status: criteria provided, single submitter. Criteria: Invitae Variant Classification Sherloc (09022015). Collection method: clinical testing. Allele origin: germline.

Blueprint Genetics
Classification: Likely benign. Last evaluated: 2024-11-21. Review status: criteria provided, single submitter. Criteria: ACMG Guidelines, 2015. Collection method: clinical testing. Allele origin: germline.

Women's Health and Genetics/Laboratory Corporation of America, LabCorp
Classification: Likely benign. Last evaluated: 2024-10-01. Review status: criteria provided, single submitter. Criteria: LabCorp Variant Classification Summary - May 2015. Collection method: clinical testing. Allele origin: germline.
Comment: Variant summary: COL10A1 c.256G>A (p.Gly86Arg) results in a non-conservative amino acid change in the encoded protein sequence. Five of five in-silico tools predict a damaging effect of the variant on protein function. The variant allele was found at a frequency of 0.0007 in 251372 control chromosomes, predominantly at a frequency of 0.0012 within the Non-Finnish European subpopulation in the gnomAD database. The observed variant frequency within Non-Finnish European control individuals in the gnomAD database exceeds the estimated maximal expected allele frequency for a pathogenic variant in COL10A1 causing Metaphyseal Chondrodysplasia, Schmid Type phenotype. To our knowledge, no occurrence of c.256G>A in individuals affected with Metaphyseal Chondrodysplasia, Schmid Type and no experimental evidence demonstrating its impact on protein function have been reported. ClinVar contains an entry for this variant (Variation ID: 355109). Based on the evidence outlined above, the variant was classified as likely benign.

Illumina Laboratory Services, Illumina
Classification: Likely benign for Metaphyseal chondrodysplasia, Schmid type. Last evaluated: 2017-04-27. Review status: criteria provided, single submitter. Criteria: ICSL Variant Classification Criteria 13 December 2019. Collection method: clinical testing. Allele origin: germline.
Comment: This variant was observed as part of a predisposition screen in an ostensibly healthy population. A literature search was performed for the gene, cDNA change, and amino acid change (where applicable). Publications were found based on this search. The evidence from the literature, in combination with allele frequency data from public databases where available, was sufficient to determine this variant is unlikely to cause disease. Therefore, this variant is classified as likely benign.

Literature cited by the submitters: PubMed 12584438 (cited by Illumina Laboratory Services, Illumina).